The following is an entry in ClinVar:

ClinVar aggregate classification (germline): Uncertain significance (1 of 4 stars; one submission).

Conditions:
Immunodeficiency, common variable, 7. Identifiers: Orphanet 1572, Orphanet 696894, MedGen C3542922, MONDO:0013862, OMIM 614699.

Allele frequency attached by ClinVar (database versions not stated): gnomAD exomes below 0.00001.
gnomAD v4.1: 6 of 1,614,010 alleles (0.00037%); highest among the groups gnomAD compares: Non-Finnish European, 0.00051%; no homozygotes.

Submission:

Labcorp Genetics (formerly Invitae), Labcorp
Classification: Uncertain significance for Immunodeficiency, common variable, 7. Last evaluated: 2022-06-09. Review status: criteria provided, single submitter. Criteria: Invitae Variant Classification Sherloc (09022015). Collection method: clinical testing. Allele origin: germline.
Comment: This sequence change replaces proline, which is neutral and non-polar, with leucine, which is neutral and non-polar, at codon 706 of the CR2 protein (p.Pro706Leu). This variant is not present in population databases (gnomAD no frequency). This variant has not been reported in the literature in individuals affected with CR2-related conditions. Algorithms developed to predict the effect of missense changes on protein structure and function output the following: SIFT: "Tolerated"; PolyPhen-2: "Probably Damaging"; Align-GVGD: "Class C0". The leucine amino acid residue is found in multiple mammalian species, which suggests that this missense change does not adversely affect protein function. Algorithms developed to predict the effect of sequence changes on RNA splicing suggest that this variant may disrupt the consensus splice site. In summary, the available evidence is currently insufficient to determine the role of this variant in disease. Therefore, it has been classified as a Variant of Uncertain Significance.

NM_001006658.3(CR2):c.2117C>T (p.Pro706Leu)

Gene: CR2 (complement C3d receptor 2; plus strand). Cytogenetic location: 1q32.2.
Variant type: single nucleotide variant.
Coding change: c.2117C>T on transcript NM_001006658.3 (MANE Select); coding-DNA position 2117, C replaced by T.
Protein change: p.Pro706Leu; replaces proline 706 with leucine.
Molecular consequence: missense variant. On other transcripts: intron variant (1).
Genome position (GRCh38, 1-based): chr1:207,473,683, C>T. VCF-style: chr1-207473683-C-T. GRCh37 (hg19) VCF-style: chr1-207647028-C-T.
Other names: c.1979-118C>T (NM_001877.5); short protein forms P706L.
Identifiers: ClinVar variation 1950826 (VCV001950826.2), dbSNP rs1658352931, ClinGen allele CA344536152.